The following is an entry in ClinVar:

ClinVar aggregate classification (germline): Benign/Likely benign. Review status: criteria provided, multiple submitters, no conflicts (2 of 4 stars). 3 submissions from 3 submitters: Benign (1); Likely benign (2). Last evaluated 2026-01-11.

Conditions:
Inborn genetic diseases. Identifiers: MedGen C0950123, MeSH D030342.

Allele frequency attached by ClinVar (database versions not stated): ESP Exome Variant Server 0.00008; ExAC 0.00010; gnomAD exomes 0.00011.

Submissions (3):

Labcorp Genetics (formerly Invitae), Labcorp
Classification: Benign. Last evaluated: 2026-01-11. Review status: criteria provided, single submitter. Criteria: Invitae Variant Classification Sherloc (09022015). Collection method: clinical testing. Allele origin: germline.

CeGaT Center for Human Genetics Tuebingen
Classification: Likely benign. Last evaluated: 2024-07-01. Review status: criteria provided, single submitter. Criteria: CeGaT Center For Human Genetics Tuebingen Variant Classification Criteria Version 2. Collection method: clinical testing. Allele origin: germline. Affected: yes. Observed: 1 variant allele.
Comment: SON: BP4

Ambry Genetics
Classification: Likely benign for Inborn genetic diseases. Last evaluated: 2021-09-14. Review status: criteria provided, single submitter. Criteria: Ambry Variant Classification Scheme 2023. Collection method: clinical testing. Allele origin: germline.

NM_138927.4(SON):c.580A>G (p.Met194Val)

Gene: SON (SON DNA and RNA binding protein; plus strand). Cytogenetic location: 21q22.11.
Variant type: single nucleotide variant.
Coding change: c.580A>G on transcript NM_138927.4 (MANE Select); coding-DNA position 580, A replaced by G.
Protein change: p.Met194Val; replaces methionine 194 with valine.
Molecular consequence: missense variant. On other transcripts: non-coding transcript variant (1), intron variant (1).
Genome position (GRCh38, 1-based): chr21:33,549,811, A>G. VCF-style: chr21-33549811-A-G. GRCh37 (hg19) VCF-style: chr21-34922117-A-G.
Other names: c.580A>G (NM_138927.1); c.580A>G, p.Met194Val (NM_001291411.2, NM_032195.3); c.244+3432A>G (NM_001291412.3); short protein forms M194V.
Identifiers: ClinVar variation 1599972 (VCV001599972.26), dbSNP rs146870437, ClinGen allele CA10008716.